The following is an entry in ClinVar:

NM_006565.4(CTCF):c.1468A>G (p.Lys490Glu)

Gene: CTCF (CCCTC-binding factor; plus strand). Cytogenetic location: 16q22.1.
Variant type: single nucleotide variant.
Coding change: c.1468A>G on transcript NM_006565.4 (MANE Select); coding-DNA position 1468, A replaced by G.
Protein change: p.Lys490Glu; replaces lysine 490 with glutamic acid.
Molecular consequence: missense variant.
Genome position (GRCh38, 1-based): chr16:67,626,665, A>G. VCF-style: chr16-67626665-A-G. GRCh37 (hg19) VCF-style: chr16-67660568-A-G.
Other names: c.484A>G, p.Lys162Glu (NM_001191022.2); c.1468A>G, p.Lys490Glu (NM_001363916.2); short protein forms K490E, K162E.
Identifiers: ClinVar variation 521641 (VCV000521641.3), dbSNP rs1555535747, ClinGen allele CA396318241.
Genomic context (GRCh38, chr16:67,626,665, plus strand): 5'-CGTTACTGTGATGCTGTGTTTCATGAGCGCTATGCCCTCATCCAGCATCAGAAGTCACAC[A>G]AGAATGAGAAGCGCTTTAAGTGTGACCAGTGTGATTACGCTTGTAGACAGGTAGGAACCT-3'
Protein context (NP_006556.1, residues 480-500): YALIQHQKSH[Lys490Glu]NEKRFKCDQC

ClinVar aggregate classification (germline): Uncertain significance (1 of 4 stars; one submission).

Conditions:
Inborn genetic diseases. Identifiers: MedGen C0950123, MeSH D030342.

Submission:

Ambry Genetics
Classification: Uncertain significance for Hereditary disease. Last evaluated: 2017-05-12. Review status: criteria provided, single submitter. Criteria: ambry_reporting_categories_2017. Collection method: clinical testing. Allele origin: germline. Affected: yes. Observed: 1 heterozygote. Segregation with disease observed.
Comment: Lines of evidence used in support of classification: UNCERTAIN: Alteration(s) of Uncertain Clinical Significance Detected

Literature cited by the submitters: PubMed 23746550; PubMed 22354838; PubMed 18654629; PubMed 19563753; PubMed 28135719; PubMed 28619046.